The following is an entry in ClinVar:

NM_005122.5(NR1I3):c.144C>G (p.Pro48=)

Gene: NR1I3 (nuclear receptor subfamily 1 group I member 3; minus strand). Cytogenetic location: 1q23.3.
Variant type: single nucleotide variant.
Coding change: c.144C>G on transcript NM_005122.5 (MANE Select); coding-DNA position 144, C replaced by G.
Protein change: p.Pro48=; no amino-acid change (proline 48 retained).
Molecular consequence: synonymous variant.
Genome position (GRCh38, 1-based): chr1:161,235,941, G>C on the plus strand (C>G on the coding strand, the complement: NR1I3 is on the minus strand). VCF-style: chr1-161235941-G-C. GRCh37 (hg19) VCF-style: chr1-161205731-G-C.
Other names: c.144C>G, p.Pro48= (NM_001077469.3, NM_001077471.3, NM_001077474.3 and 4 more transcripts); c.57C>G, p.Pro19= (NM_001077470.3, NM_001077472.3, NM_001077473.3 and 4 more transcripts).
Identifiers: ClinVar variation 3048641 (VCV003048641.2), dbSNP rs544741783, ClinGen allele CA1209895.

ClinVar aggregate classification (germline): Likely benign (0 of 4 stars; one submission).

Conditions:
NR1I3-related disorder. Also called: NR1I3-related condition.

Allele frequency attached by ClinVar (database versions not stated): gnomAD 0.00008; ExAC 0.00013; gnomAD exomes 0.00013; TOPMed 0.00014.

Submission:

PreventionGenetics, part of Exact Sciences
Classification: Likely benign for NR1I3-related condition. Last evaluated: 2019-12-03. Review status: no assertion criteria provided. Collection method: clinical testing. Allele origin: germline.
Comment: This variant is classified as likely benign based on ACMG/AMP sequence variant interpretation guidelines (Richards et al. 2015 PMID: 25741868, with internal and published modifications).